The following is an entry in ClinVar:

NM_018834.6(MATR3):c.2149-26A>G

Gene: MATR3 (matrin 3; plus strand). Cytogenetic location: 5q31.2.
Variant type: single nucleotide variant.
Coding change: c.2149-26A>G on transcript NM_018834.6 (MANE Select); 26 bases into the intron before coding-DNA position 2149, A replaced by G.
Molecular consequence: intron variant. On other transcripts: missense variant (6).
Genome position (GRCh38, 1-based): chr5:139,325,414, A>G. VCF-style: chr5-139325414-A-G. GRCh37 (hg19) VCF-style: chr5-138661103-A-G.
Other names: c.2267A>G, p.Asn756Ser (NM_001400441.1, NM_001400442.1, NM_001400443.1 and 2 more transcripts); c.1253A>G, p.Asn418Ser (NM_001400460.1); c.2149-26A>G (NM_001400451.1, NM_001400450.1, NM_001400455.1 and 11 more transcripts); c.1288-26A>G (NM_001400459.1); c.1135-26A>G (NM_001400463.1, NM_001282278.2, NM_001400462.1 and 4 more transcripts); c.1249-26A>G (NM_001400461.1); c.1285-26A>G (NM_001194956.2); short protein forms N418S, N756S.
Identifiers: ClinVar variation 5041191 (VCV005041191.1).
Genomic context (GRCh38, chr5:139,325,414, plus strand): 5'-AAGATTCGGAACTTCAGAAACTTCGTAAATCGGGCATGGCATTTAAATCTGGTGACAAAA[A>G]TGATGATGGTTTGGTTGAAATTAAGGTGGACAAGATCGAGGAACTTGATCAAGAAAACGA-3'

ClinVar aggregate classification (germline): Likely benign (1 of 4 stars; one submission).

gnomAD v4.1: 8 of 1,556,128 alleles (0.00051%); highest among the groups gnomAD compares: Admixed American, 0.0034%; no homozygotes.

Submission:

CeGaT Center for Human Genetics Tuebingen
Classification: Likely benign. Last evaluated: 2026-08-01. Review status: criteria provided, single submitter. Criteria: CeGaT Center For Human Genetics Tuebingen Variant Classification Criteria Version 2. Collection method: clinical testing. Allele origin: germline. Affected: yes. Observed: 1 variant allele.
Comment: MATR3: BP4